The following is an entry in ClinVar:

ClinVar aggregate classification (germline): Uncertain significance. Review status: criteria provided, multiple submitters, no conflicts (2 of 4 stars). 3 submissions from 3 submitters: Uncertain significance (3). Last evaluated 2025-11-13.

Conditions:
Hereditary cancer-predisposing syndrome. Also called: Tumor predisposition; Hereditary neoplastic syndrome; Neoplastic Syndromes, Hereditary; Hereditary Cancer Syndrome. Identifiers: Orphanet 140162, MedGen C0027672, MeSH D009386, MONDO:0015356.
Pheochromocytoma/paraganglioma syndrome 5. Also called: Paragangliomas 5; SDHA-Related Hereditary Paraganglioma-Pheochromocytoma Syndrome. Identifiers: Orphanet 29072, MedGen C3279992, MONDO:0013602, OMIM 614165.
Mitochondrial complex II deficiency, nuclear type 1. Also called: SUCCINATE CoQ REDUCTASE DEFICIENCY. Identifiers: Orphanet 3208, MedGen C5700310, MONDO:0100294, OMIM 252011.

gnomAD v4.1: 1 of 1,613,722 alleles (0.000062%); no homozygotes.

Submissions (3):

Labcorp Genetics (formerly Invitae), Labcorp
Classification: Uncertain significance for Pheochromocytoma/paraganglioma syndrome 5; Mitochondrial complex II deficiency, nuclear type 1. Last evaluated: 2025-11-13. Review status: criteria provided, single submitter. Criteria: Invitae Variant Classification Sherloc (09022015). Collection method: clinical testing. Allele origin: germline.
Comment: This sequence change replaces aspartic acid, which is acidic and polar, with histidine, which is basic and polar, at codon 125 of the SDHA protein (p.Asp125His). This variant is not present in population databases (gnomAD no frequency). This missense change has been observed in individual(s) with paraganglioma (internal data). ClinVar contains an entry for this variant (Variation ID: 824147). Invitae Evidence Modeling of protein sequence and biophysical properties (such as structural, functional, and spatial information, amino acid conservation, physicochemical variation, residue mobility, and thermodynamic stability) has been performed for this missense variant. However, the output from this modeling did not meet the statistical confidence thresholds required to predict the impact of this variant on SDHA protein function. In summary, the available evidence is currently insufficient to determine the role of this variant in disease. Therefore, it has been classified as a Variant of Uncertain Significance.

Ambry Genetics
Classification: Uncertain significance for Hereditary cancer-predisposing syndrome. Last evaluated: 2024-12-20. Review status: criteria provided, single submitter. Criteria: Ambry Variant Classification Scheme 2023. Collection method: clinical testing. Allele origin: germline.
Comment: The p.D125H variant (also known as c.373G>C), located in coding exon 4 of the SDHA gene, results from a G to C substitution at nucleotide position 373. The aspartic acid at codon 125 is replaced by histidine, an amino acid with similar properties. This amino acid position is highly conserved in available vertebrate species. In addition, this alteration is predicted to be deleterious by in silico analysis. Based on the available evidence, the clinical significance of this variant remains unclear.

GeneDx
Classification: Uncertain significance. Last evaluated: 2024-03-20. Review status: criteria provided, single submitter. Criteria: GeneDx Variant Classification Process June 2021. Collection method: clinical testing. Allele origin: germline. Affected: yes.
Comment: In silico analysis supports that this missense variant has a deleterious effect on protein structure/function; Not observed at significant frequency in large population cohorts (gnomAD); Has not been previously published as pathogenic or benign to our knowledge

NM_004168.4(SDHA):c.373G>C (p.Asp125His)

Gene: SDHA (succinate dehydrogenase complex flavoprotein subunit A; plus strand). Cytogenetic location: 5p15.33.
Variant type: single nucleotide variant.
Coding change: c.373G>C on transcript NM_004168.4 (MANE Select); coding-DNA position 373, G replaced by C.
Protein change: p.Asp125His; replaces aspartic acid 125 with histidine.
Molecular consequence: missense variant. On other transcripts: intron variant (1).
Genome position (GRCh38, 1-based): chr5:225,479, G>C. VCF-style: chr5-225479-G-C. GRCh37 (hg19) VCF-style: chr5-225594-G-C.
Other names: c.373G>C, p.Asp125His (NM_001330758.2); c.313-404G>C (NM_001294332.2); short protein forms D125H.
Identifiers: ClinVar variation 824147 (VCV000824147.16), dbSNP rs780654623, ClinGen allele CA359009365.
Genomic context (GRCh38, chr5:225,479, plus strand): 5'-GGAGGAATCAATGCTGCTCTGGGGAACATGGAGGAGGACAACTGGAGGTGGCATTTCTAC[G>C]ACACCGTGAAGGGCTCCGACTGGCTGGGGGACCAGGATGCCATCCACTACATGACGGAGC-3'
Protein context (NP_004159.2, residues 115-135): EEDNWRWHFY[Asp125His]TVKGSDWLGD